The following is an entry in ClinVar:

NM_201384.3(PLEC):c.1573C>G (p.Leu525Val)

Gene: PLEC (plectin; minus strand). Cytogenetic location: 8q24.3.
Variant type: single nucleotide variant.
Coding change: c.1573C>G on transcript NM_201384.3 (MANE Select); coding-DNA position 1573, C replaced by G.
Protein change: p.Leu525Val; replaces leucine 525 with valine.
Molecular consequence: missense variant.
Genome position (GRCh38, 1-based): chr8:143,932,957, G>C on the plus strand (C>G on the coding strand, the complement: PLEC is on the minus strand). VCF-style: chr8-143932957-G-C. GRCh37 (hg19) VCF-style: chr8-145007125-G-C.
Other names: c.1654C>G, p.Leu552Val (NM_000445.5, NM_001410941.1); c.1531C>G, p.Leu511Val (NM_201378.4); c.1507C>G, p.Leu503Val (NM_201379.3); c.1984C>G, p.Leu662Val (NM_201380.4); c.1477C>G, p.Leu493Val (NM_201381.3); c.1573C>G, p.Leu525Val (NM_201382.4); c.1585C>G, p.Leu529Val (NM_201383.3); short protein forms L503V, L493V, L529V, L511V, L525V, L552V, L662V.
Identifiers: ClinVar variation 2927404 (VCV002927404.3), dbSNP rs2538857141, ClinGen allele CA372580925.

ClinVar aggregate classification (germline): Uncertain significance (1 of 4 stars; one submission).

Conditions:
Epidermolysis bullosa simplex with nail dystrophy (EBS5D). Identifiers: MedGen C4225309, MONDO:0014661, OMIM 616487.
Epidermolysis bullosa simplex 5B, with muscular dystrophy (EBS5B). Also called: EPIDERMOLYSIS BULLOSA SIMPLEX AND LIMB-GIRDLE MUSCULAR DYSTROPHY; Epidermolysis bullosa simplex with muscular dystrophy. Identifiers: Orphanet 257, MedGen C2931072, MONDO:0009181, OMIM 226670.
Epidermolysis bullosa simplex 5C, with pyloric atresia (EBS5C). Also called: PLEC-Related Epidermolysis Bullosa with Pyloric Atresia; Epidermolysis bullosa simplex with pyloric atresia; PLEC1-Related Epidermolysis Bullosa with Pyloric Atresia. Identifiers: Orphanet 158684, MedGen C2677349, MONDO:0012807, OMIM 612138.
Autosomal recessive limb-girdle muscular dystrophy type 2Q (LGMDR17). Also called: MUSCULAR DYSTROPHY, LIMB-GIRDLE, AUTOSOMAL RECESSIVE 17. Identifiers: Orphanet 254361, MedGen C3150989, MONDO:0013390, OMIM 613723.
Epidermolysis bullosa simplex, Ogna type (EBS5A). Also called: Pidermolysis bullosa simplex 5A, Ogna type; EPIDERMOLYSIS BULLOSA SIMPLEX 5A, OGNA TYPE. Identifiers: Orphanet 79401, MedGen C0432317, MONDO:0007555, OMIM 131950.

Allele frequency attached by ClinVar (database versions not stated): gnomAD exomes below 0.00001.
gnomAD v4.1: 2 of 1,612,584 alleles (0.00012%); highest among the groups gnomAD compares: Non-Finnish European, 0.00017%; no homozygotes.

Submission:

Labcorp Genetics (formerly Invitae), Labcorp
Classification: Uncertain significance for Autosomal recessive limb-girdle muscular dystrophy type 2Q; Epidermolysis bullosa simplex, Ogna type; Epidermolysis bullosa simplex with nail dystrophy; Epidermolysis bullosa simplex 5C, with pyloric atresia; Epidermolysis bullosa simplex 5B, with muscular dystrophy. Last evaluated: 2023-12-27. Review status: criteria provided, single submitter. Criteria: Invitae Variant Classification Sherloc (09022015). Collection method: clinical testing. Allele origin: germline.
Comment: This sequence change replaces leucine, which is neutral and non-polar, with valine, which is neutral and non-polar, at codon 552 of the PLEC protein (p.Leu552Val). This variant is not present in population databases (gnomAD no frequency). This variant has not been reported in the literature in individuals affected with PLEC-related conditions. Advanced modeling of protein sequence and biophysical properties (such as structural, functional, and spatial information, amino acid conservation, physicochemical variation, residue mobility, and thermodynamic stability) performed at Invitae indicates that this missense variant is not expected to disrupt PLEC protein function with a negative predictive value of 80%. In summary, the available evidence is currently insufficient to determine the role of this variant in disease. Therefore, it has been classified as a Variant of Uncertain Significance.